The following is an entry in ClinVar:

NC_000005.9:g.(?_112111326)_112179823del

Gene: APC (APC regulator of Wnt signaling pathway; plus strand).
Variant type: Deletion.
Identifiers: ClinVar variation 1071360 (VCV001071360.2).

ClinVar aggregate classification (germline): Pathogenic (1 of 4 stars; one submission).

Conditions:
Familial adenomatous polyposis 1 (FAP1). Also called: POLYPOSIS, ADENOMATOUS INTESTINAL; FAMILIAL ADENOMATOUS POLYPOSIS 1, ATTENUATED. Identifiers: MedGen C2713442, MONDO:0021056, OMIM 175100. Disease mechanism: loss of function.

Submission:

Labcorp Genetics (formerly Invitae), Labcorp
Classification: Pathogenic for Familial adenomatous polyposis 1. Last evaluated: 2018-12-01. Review status: criteria provided, single submitter. Criteria: Invitae Variant Classification Sherloc (09022015). Collection method: clinical testing. Allele origin: germline.
Comment: This variant is a gross deletion of the genomic region encompassing exons 5-16 of the APC gene. The 5' boundary is likely confined to intron 4. The 3' end of this event is unknown as it extends through the termination codon beyond the assayed region for this gene and may encompass additional genes. While this deletion is not anticipated to result in nonsense mediated decay, it is expected to create a truncated protein product or disrupt mRNA translation. A deletion of exons 5-16 has been observed to segregate with¬†adenomatous polyposis¬†in a family (PMID: 27391059). This variant removes, among others, the Basic Domain, the EB1 Binding Site, and the HDLG Binding Site of the APC protein, which mediate interactions with the cytoskeleton (PMID: 15311282, 17293347). While functional studies have not been performed to directly test the effect of this variant on APC protein function, a different truncating variant, c.7932_7935del (p.Tyr2645Lysfs*14), that only removes the EB1 and HDLG binding sites has been reported in several individuals with familial adenomatous polyposis (FAP) and attenuated FAP (PMID: 1316610, 8381579, 9824584, 22135120). These observations suggest that the C-terminal portion of the protein is clinically important. For these reasons, this variant has been classified as Pathogenic.

Literature cited by the submitters: PubMed 27391059; PubMed 15311282; PubMed 17293347; PubMed 1316610; PubMed 8381579; PubMed 9824584; PubMed 22135120.